The following is an entry in ClinVar:

ClinVar aggregate classification (germline): Uncertain significance. Review status: criteria provided, multiple submitters, no conflicts (2 of 4 stars). 2 submissions from 2 submitters: Uncertain significance (2). Last evaluated 2024-05-06.

Conditions:
Hereditary cancer-predisposing syndrome. Also called: Neoplastic Syndromes, Hereditary; Tumor predisposition; Hereditary neoplastic syndrome; Hereditary Cancer Syndrome. Identifiers: Orphanet 140162, MedGen C0027672, MeSH D009386, MONDO:0015356.
Tuberous sclerosis 2 (TSC2). Identifiers: Orphanet 805, MedGen C1860707, MONDO:0013199, OMIM 613254.

gnomAD v4.1: 1 of 1,589,150 alleles (0.000063%); highest among the groups gnomAD compares: South Asian, 0.0011%; no homozygotes.

Submissions (2):

Ambry Genetics
Classification: Uncertain significance for Hereditary cancer-predisposing syndrome. Last evaluated: 2024-05-06. Review status: criteria provided, single submitter. Criteria: Ambry Variant Classification Scheme 2023. Collection method: clinical testing. Allele origin: germline.
Comment: The p.I1662V variant (also known as c.4984A>G), located in coding exon 37 of the TSC2 gene, results from an A to G substitution at nucleotide position 4984. The isoleucine at codon 1662 is replaced by valine, an amino acid with highly similar properties. This amino acid position is highly conserved in available vertebrate species. In addition, this alteration is predicted to be deleterious by in silico analysis. Based on the available evidence, the clinical significance of this variant remains unclear.

Labcorp Genetics (formerly Invitae), Labcorp
Classification: Uncertain significance for Tuberous sclerosis 2. Last evaluated: 2022-04-12. Review status: criteria provided, single submitter. Criteria: Invitae Variant Classification Sherloc (09022015). Collection method: clinical testing. Allele origin: germline.
Comment: In summary, the available evidence is currently insufficient to determine the role of this variant in disease. Therefore, it has been classified as a Variant of Uncertain Significance. Advanced modeling of protein sequence and biophysical properties (such as structural, functional, and spatial information, amino acid conservation, physicochemical variation, residue mobility, and thermodynamic stability) performed at Invitae indicates that this missense variant is not expected to disrupt TSC2 protein function. This sequence change replaces isoleucine, which is neutral and non-polar, with valine, which is neutral and non-polar, at codon 1662 of the TSC2 protein (p.Ile1662Val). This variant is not present in population databases (gnomAD no frequency). This variant has not been reported in the literature in individuals affected with TSC2-related conditions.

NM_000548.5(TSC2):c.4984A>G (p.Ile1662Val)

Gene: TSC2 (TSC complex subunit 2; plus strand). Cytogenetic location: 16p13.3.
Variant type: single nucleotide variant.
Coding change: c.4984A>G on transcript NM_000548.5 (MANE Select); coding-DNA position 4984, A replaced by G.
Protein change: p.Ile1662Val; replaces isoleucine 1662 with valine.
Molecular consequence: missense variant.
Genome position (GRCh38, 1-based): chr16:2,086,866, A>G. VCF-style: chr16-2086866-A-G. GRCh37 (hg19) VCF-style: chr16-2136867-A-G.
Other names: c.4783A>G, p.Ile1595Val (NM_001077183.3); c.4915A>G, p.Ile1639Val (NM_001114382.3); c.4675A>G, p.Ile1559Val (NM_001318827.2); c.4639A>G, p.Ile1547Val (NM_001318829.2); c.4252A>G, p.Ile1418Val (NM_001318831.2); c.4816A>G, p.Ile1606Val (NM_001318832.2); c.4786A>G, p.Ile1596Val (NM_001363528.2); c.4852A>G, p.Ile1618Val (NM_001370404.1); and 1 more; short protein forms I1559V, I1619V, I1418V, I1596V, I1606V, I1618V, I1595V, I1547V.
Identifiers: ClinVar variation 1483779 (VCV001483779.11), dbSNP rs2151589566, ClinGen allele CA394309196.